The following is an entry in ClinVar:

NM_001384900.1(SEMA3D):c.1287G>A (p.Lys429=)

Gene: SEMA3D (semaphorin 3D; minus strand). Cytogenetic location: 7q21.11.
Variant type: single nucleotide variant.
Coding change: c.1287G>A on transcript NM_001384900.1 (MANE Select); coding-DNA position 1287, G replaced by A.
Protein change: p.Lys429=; no amino-acid change (lysine 429 retained).
Molecular consequence: synonymous variant.
Genome position (GRCh38, 1-based): chr7:85,022,518, C>T on the plus strand (G>A on the coding strand, the complement: SEMA3D is on the minus strand). VCF-style: chr7-85022518-C-T. GRCh37 (hg19) VCF-style: chr7-84651834-C-T.
Other names: c.1287G>A, p.Lys429= (NM_001384901.1, NM_001384902.1, NM_001384903.1 and 1 more transcripts).
Identifiers: ClinVar variation 4985966 (VCV004985966.1).
Genomic context (GRCh38, chr7:85,022,518, plus strand): 5'-CAGTCTGTAATCCACATTGATTCTCTTGAACGTTGGTCCTCCTGCAACTGGGTATACGGA[C>T]TTATACATCACAGAGTGCCGCTTTATGAAACTGATGACATCATCTGGAAAATCTCGGGTG-3'
Protein context (NP_001371829.1, residues 419-439): SFIKRHSVMY[Lys429=]SVYPVAGGPT

ClinVar aggregate classification (germline): Likely benign (1 of 4 stars; one submission).

Conditions:
SEMA3D-related disorder. Also called: SEMA3D-related condition.

gnomAD v4.1: 3 of 1,612,450 alleles (0.00019%); highest among the groups gnomAD compares: Non-Finnish European, 0.00025%; no homozygotes.

Submission:

PreventionGenetics, part of Exact Sciences
Classification: Likely benign for SEMA3D-related condition. Last evaluated: 2025-04-17. Review status: criteria provided, single submitter. Criteria: ACMG Guidelines, 2015. Collection method: clinical testing. Allele origin: germline.
Comment: This variant is classified as likely benign based on ACMG/AMP sequence variant interpretation guidelines (Richards et al. 2015 PMID: 25741868, with internal and published modifications).